The following is an entry in ClinVar:

ClinVar aggregate classification (germline): Uncertain significance (1 of 4 stars; one submission).

Conditions:
Hereditary cancer-predisposing syndrome. Also called: Neoplastic Syndromes, Hereditary; Tumor predisposition; Hereditary Cancer Syndrome; Hereditary neoplastic syndrome. Identifiers: Orphanet 140162, MedGen C0027672, MeSH D009386, MONDO:0015356.

Submission:

Ambry Genetics
Classification: Uncertain significance for Hereditary cancer-predisposing syndrome. Last evaluated: 2024-10-15. Review status: criteria provided, single submitter. Criteria: Ambry Variant Classification Scheme 2023. Collection method: clinical testing. Allele origin: germline.
Comment: The p.A441V variant (also known as c.1322C>T), located in coding exon 12 of the NF2 gene, results from a C to T substitution at nucleotide position 1322. The alanine at codon 441 is replaced by valine, an amino acid with similar properties. This amino acid position is conserved. In addition, this alteration is predicted to be tolerated by in silico analysis. Based on the available evidence, the clinical significance of this variant remains unclear.

NM_000268.4(NF2):c.1322C>T (p.Ala441Val)

Gene: NF2 (NF2, moesin-ezrin-radixin like (MERLIN) tumor suppressor; plus strand). Cytogenetic location: 22q12.2.
Variant type: single nucleotide variant.
Coding change: c.1322C>T on transcript NM_000268.4 (MANE Select); coding-DNA position 1322, C replaced by T.
Protein change: p.Ala441Val; replaces alanine 441 with valine.
Molecular consequence: missense variant. On other transcripts: intron variant (1).
Genome position (GRCh38, 1-based): chr22:29,673,468, C>T. VCF-style: chr22-29673468-C-T. GRCh37 (hg19) VCF-style: chr22-30069457-C-T.
Other names: c.1208C>T, p.Ala403Val (NM_001407053.1, NM_001407056.1); c.1199C>T, p.Ala400Val (NM_001407054.1, NM_001407058.1, NM_181829.3); c.1196C>T, p.Ala399Val (NM_001407055.1, NM_181828.3); c.1187C>T, p.Ala396Val (NM_001407057.1, NM_001407059.1); c.1322C>T, p.Ala441Val (NM_001407060.1, NM_001407066.1, NM_016418.5 and 2 more transcripts); c.1064C>T, p.Ala355Val (NM_001407062.1); c.1073C>T, p.Ala358Val (NM_001407063.1, NM_001407064.1, NM_181830.3 and 1 more transcripts); c.788C>T, p.Ala263Val (NM_001407065.1); and 2 more; short protein forms A399V, A263V, A358V, A396V, A403V, A364V, A400V, A355V.
Identifiers: ClinVar variation 3405015 (VCV003405015.1).